The following is an entry in ClinVar:

ClinVar aggregate classification (germline): Pathogenic (0 of 4 stars; one submission).

Conditions:
Fanconi anemia complementation group A (FANCA). Also called: Fanconi anemia, group A; FANCA-Related Fanconi Anemia. Identifiers: Orphanet 84, MedGen C3469521, MONDO:0009215, OMIM 227650.

Submission:

Leiden Open Variation Database
Classification: Pathogenic for Fanconi anemia complementation group A. Last evaluated: 2020-02-28. Review status: no assertion criteria provided. Collection method: curation. Allele origin: germline. Affected: yes.
Comment: Curator: Arleen D. Auerbach. Submitter to LOVD: Johan de Winter.

Literature cited by the submitters: PubMed 22778927.

NC_000016.10:g.(89758706_89761948)_(89773385_89775741)del

Gene: FANCA (FA complementation group A; minus strand). Cytogenetic location: 16q24.3.
Variant type: Deletion.
Identifiers: ClinVar variation 974135 (VCV000974135.1).